The following is an entry in ClinVar:

NM_012463.4(ATP6V0A2):c.2206G>A (p.Val736Ile)

Gene: ATP6V0A2 (ATPase H+ transporting V0 subunit a2; plus strand). Cytogenetic location: 12q24.31.
Variant type: single nucleotide variant.
Coding change: c.2206G>A on transcript NM_012463.4 (MANE Select); coding-DNA position 2206, G replaced by A.
Protein change: p.Val736Ile; replaces valine 736 with isoleucine.
Molecular consequence: missense variant.
Genome position (GRCh38, 1-based): chr12:123,754,450, G>A. VCF-style: chr12-123754450-G-A. GRCh37 (hg19) VCF-style: chr12-124238997-G-A.
Other names: short protein forms V736I.
Identifiers: ClinVar variation 1717429 (VCV001717429.5), dbSNP rs1257967631, ClinGen allele CA387156061.

ClinVar aggregate classification (germline): Uncertain significance (1 of 4 stars; one submission).

Conditions:
ALG9 congenital disorder of glycosylation (CDG1L). Also called: CDG Il; CONGENITAL DISORDER OF GLYCOSYLATION, TYPE Il; ALG9-CDG. Identifiers: Orphanet 79328, MedGen C2931006, MONDO:0012117, OMIM 608776.

Submission:

Labcorp Genetics (formerly Invitae), Labcorp
Classification: Uncertain significance for ALG9 congenital disorder of glycosylation. Last evaluated: 2022-08-21. Review status: criteria provided, single submitter. Criteria: Invitae Variant Classification Sherloc (09022015). Collection method: clinical testing. Allele origin: germline.
Comment: In summary, the available evidence is currently insufficient to determine the role of this variant in disease. Therefore, it has been classified as a Variant of Uncertain Significance. Algorithms developed to predict the effect of sequence changes on RNA splicing suggest that this variant may disrupt the consensus splice site. Algorithms developed to predict the effect of missense changes on protein structure and function (SIFT, PolyPhen-2, Align-GVGD) all suggest that this variant is likely to be tolerated. This variant has not been reported in the literature in individuals affected with ATP6V0A2-related conditions. This variant is not present in population databases (gnomAD no frequency). This sequence change replaces valine, which is neutral and non-polar, with isoleucine, which is neutral and non-polar, at codon 736 of the ATP6V0A2 protein (p.Val736Ile).